The following is an entry in ClinVar:

NM_001015877.2(PHF6):c.1011AGA[1] (p.Glu338del)

Gene: PHF6 (PHD finger protein 6; plus strand). Cytogenetic location: Xq26.2.
Variant type: Microsatellite.
Coding change: c.1011AGA[1] on transcript NM_001015877.2 (MANE Select); one copy of the 3-base unit AGA starting at c.1011; the reference has two copies in a row; one copy, 3 bases deleted.
Protein change: p.Glu338del; deletes glutamic acid 338.
Molecular consequence: inframe deletion.
Genome position (GRCh38, 1-based): chrX:134,425,246-134,425,248, AGA deleted; deleting any 3 consecutive bases within chrX:134,425,241-134,425,248 gives the same sequence; the position shown is the placement nearest the transcript's 3' end. VCF-style (leftmost placement, unchanged base first): chrX-134425240-TGAA-T. GRCh37 (hg19) VCF-style: chrX-133559270-TGAA-T.
Other names: c.1011AGA[1], p.Glu338del (NM_032458.3); short protein forms E338del.
Identifiers: ClinVar variation 2111214 (VCV002111214.4), dbSNP rs2520675525, ClinGen allele CA2579706089.

ClinVar aggregate classification (germline): Uncertain significance (1 of 4 stars; one submission).

Conditions:
Borjeson-Forssman-Lehmann syndrome (BFLS). Also called: BORJESON SYNDROME; MENTAL RETARDATION, X-LINKED, SYNDROMIC, BORJESON-FORSSMAN-LEHMANN TYPE; MENTAL RETARDATION, EPILEPSY, AND ENDOCRINE DISORDERS. Identifiers: Orphanet 127, MedGen C0265339, MONDO:0010537, OMIM 301900.

Submission:

Labcorp Genetics (formerly Invitae), Labcorp
Classification: Uncertain significance for Borjeson-Forssman-Lehmann syndrome. Last evaluated: 2022-03-13. Review status: criteria provided, single submitter. Criteria: Invitae Variant Classification Sherloc (09022015). Collection method: clinical testing. Allele origin: germline.
Comment: This variant, c.1014_1016del, results in the deletion of 1 amino acid(s) of the PHF6 protein (p.Glu338del), but otherwise preserves the integrity of the reading frame. This variant is not present in population databases (gnomAD no frequency). This variant has not been reported in the literature in individuals affected with PHF6-related conditions. Experimental studies and prediction algorithms are not available or were not evaluated, and the functional significance of this variant is currently unknown. In summary, the available evidence is currently insufficient to determine the role of this variant in disease. Therefore, it has been classified as a Variant of Uncertain Significance.